The following is an entry in ClinVar:

ClinVar aggregate classification (germline): Uncertain significance. Review status: criteria provided, multiple submitters, no conflicts (2 of 4 stars). 2 submissions from 2 submitters: Uncertain significance (2). Last evaluated 2025-10-01.

Conditions:
Inborn genetic diseases. Identifiers: MedGen C0950123, MeSH D030342.
Peroxisome biogenesis disorder, complementation group K (CGK). Identifiers: MedGen C1866257, MONDO:0800365.

Allele frequency attached by ClinVar (database versions not stated): TOPMed 0.00001.
gnomAD v4.1: 9 of 1,613,310 alleles (0.00056%); highest among the groups gnomAD compares: South Asian, 0.0044%; no homozygotes.

Submissions (2):

Ambry Genetics
Classification: Uncertain significance for Inborn genetic diseases. Last evaluated: 2025-10-01. Review status: criteria provided, single submitter. Criteria: Ambry Variant Classification Scheme 2023. Collection method: clinical testing. Allele origin: germline.

Labcorp Genetics (formerly Invitae), Labcorp
Classification: Uncertain significance for Peroxisome biogenesis disorder, complementation group K. Last evaluated: 2023-08-04. Review status: criteria provided, single submitter. Criteria: Invitae Variant Classification Sherloc (09022015). Collection method: clinical testing. Allele origin: germline.
Comment: This sequence change replaces asparagine, which is neutral and polar, with threonine, which is neutral and polar, at codon 201 of the PEX14 protein (p.Asn201Thr). This variant is present in population databases (rs142285791, gnomAD 0.006%). This variant has not been reported in the literature in individuals affected with PEX14-related conditions. ClinVar contains an entry for this variant (Variation ID: 998966). Advanced modeling of protein sequence and biophysical properties (such as structural, functional, and spatial information, amino acid conservation, physicochemical variation, residue mobility, and thermodynamic stability) performed at Invitae indicates that this missense variant is not expected to disrupt PEX14 protein function. In summary, the available evidence is currently insufficient to determine the role of this variant in disease. Therefore, it has been classified as a Variant of Uncertain Significance.

NM_004565.3(PEX14):c.602A>C (p.Asn201Thr)

Gene: PEX14 (peroxisomal biogenesis factor 14; plus strand). Cytogenetic location: 1p36.22.
Variant type: single nucleotide variant.
Coding change: c.602A>C on transcript NM_004565.3 (MANE Select); coding-DNA position 602, A replaced by C.
Protein change: p.Asn201Thr; replaces asparagine 201 with threonine.
Molecular consequence: missense variant.
Genome position (GRCh38, 1-based): chr1:10,627,288, A>C. VCF-style: chr1-10627288-A-C. GRCh37 (hg19) VCF-style: chr1-10687345-A-C.
Other names: c.602A>C (NM_004565.2); short protein forms N201T.
Identifiers: ClinVar variation 998966 (VCV000998966.9), dbSNP rs142285791, ClinGen allele CA583917.